The following is an entry in ClinVar:

NM_001040108.2(MLH3):c.1683A>T (p.Gly561=)

Gene: MLH3 (mutL homolog 3; minus strand). Cytogenetic location: 14q24.3.
Variant type: single nucleotide variant.
Coding change: c.1683A>T on transcript NM_001040108.2 (MANE Select); coding-DNA position 1683, A replaced by T.
Protein change: p.Gly561=; no amino-acid change (glycine 561 retained).
Molecular consequence: synonymous variant.
Genome position (GRCh38, 1-based): chr14:75,047,973, T>A on the plus strand (A>T on the coding strand, the complement: MLH3 is on the minus strand). VCF-style: chr14-75047973-T-A. GRCh37 (hg19) VCF-style: chr14-75514676-T-A.
Other names: c.1683A>T, p.Gly561= (NM_014381.3).
Identifiers: ClinVar variation 712538 (VCV000712538.12), dbSNP rs1566606687, ClinGen allele CA487273748.

ClinVar aggregate classification (germline): Benign/Likely benign. Review status: criteria provided, multiple submitters, no conflicts (2 of 4 stars). 3 submissions from 3 submitters: Benign (1); Likely benign (2). Last evaluated 2026-04-30.

Conditions:
Colorectal cancer, hereditary nonpolyposis, type 7. Identifiers: Orphanet 144, MedGen C1858380, MONDO:0013725, OMIM 614385.

Allele frequency attached by ClinVar (database versions not stated): gnomAD exomes below 0.00001 and 0.00001.
gnomAD v4.1: 3 of 1,614,184 alleles (0.00019%); highest among the groups gnomAD compares: Admixed American, 0.005%; no homozygotes.

Submissions (3):

Myriad Genetics, Inc.
Classification: Benign for Colorectal cancer, hereditary nonpolyposis, type 7. Last evaluated: 2026-04-30. Review status: criteria provided, single submitter. Criteria: Myriad Autosomal Dominant, Autosomal Recessive and X-Linked Classification Criteria (2023). Collection method: clinical testing. Allele origin: unknown.
Comment: This variant is considered benign. This variant is a silent/synonymous amino acid change and it is not expected to impact splicing.

Ambry Genetics
Classification: Likely benign. Last evaluated: 2019-08-16. Review status: criteria provided, single submitter. Criteria: Ambry Variant Classification Scheme 2023. Collection method: clinical testing. Allele origin: germline.

Labcorp Genetics (formerly Invitae), Labcorp
Classification: Likely benign for Colorectal cancer, hereditary nonpolyposis, type 7. Last evaluated: 2018-08-07. Review status: criteria provided, single submitter. Criteria: Invitae Variant Classification Sherloc (09022015). Collection method: clinical testing. Allele origin: germline.